The following is an entry in ClinVar:

NM_001084.5(PLOD3):c.298T>C (p.Tyr100His)

Gene: PLOD3 (procollagen-lysine,2-oxoglutarate 5-dioxygenase 3; minus strand). Cytogenetic location: 7q22.1.
Variant type: single nucleotide variant.
Coding change: c.298T>C on transcript NM_001084.5 (MANE Select); coding-DNA position 298, T replaced by C.
Protein change: p.Tyr100His; replaces tyrosine 100 with histidine.
Molecular consequence: missense variant.
Genome position (GRCh38, 1-based): chr7:101,216,450, A>G on the plus strand (T>C on the coding strand, the complement: PLOD3 is on the minus strand). VCF-style: chr7-101216450-A-G. GRCh37 (hg19) VCF-style: chr7-100859731-A-G.
Other names: short protein forms Y100H.
Identifiers: ClinVar variation 3607388 (VCV003607388.1).

ClinVar aggregate classification (germline): Uncertain significance (1 of 4 stars; one submission).

Submission:

Labcorp Genetics (formerly Invitae), Labcorp
Classification: Uncertain significance. Last evaluated: 2024-07-19. Review status: criteria provided, single submitter. Criteria: Invitae Variant Classification Sherloc (09022015). Collection method: clinical testing. Allele origin: germline.
Comment: This sequence change replaces tyrosine, which is neutral and polar, with histidine, which is basic and polar, at codon 100 of the PLOD3 protein (p.Tyr100His). This variant is present in population databases (rs375209437, gnomAD 0.007%). This variant has not been reported in the literature in individuals affected with PLOD3-related conditions. An algorithm developed to predict the effect of missense changes on protein structure and function outputs the following: PolyPhen-2: "Benign". The histidine amino acid residue is found in multiple mammalian species, which suggests that this missense change does not adversely affect protein function. In summary, the available evidence is currently insufficient to determine the role of this variant in disease. Therefore, it has been classified as a Variant of Uncertain Significance.